The following is an entry in ClinVar:

NM_000501.4(ELN):c.582C>T (p.Pro194=)

Gene: ELN (elastin; plus strand). Cytogenetic location: 7q11.23.
Variant type: single nucleotide variant.
Coding change: c.582C>T on transcript NM_000501.4 (MANE Select); coding-DNA position 582, C replaced by T.
Protein change: p.Pro194=; no amino-acid change (proline 194 retained).
Molecular consequence: synonymous variant.
Genome position (GRCh38, 1-based): chr7:74,046,706, C>T. VCF-style: chr7-74046706-C-T. GRCh37 (hg19) VCF-style: chr7-73461036-C-T.
Other names: c.552C>T, p.Pro184= (NM_001081752.3, NM_001278917.2); c.597C>T, p.Pro199= (NM_001081753.3, NM_001081754.3); c.582C>T, p.Pro194= (NM_001081755.3, NM_001278912.2, NM_001278915.2 and 2 more transcripts); c.516C>T, p.Pro172= (NM_001278913.2); c.567C>T, p.Pro189= (NM_001278914.2); c.450C>T, p.Pro150= (NM_001278918.2).
Identifiers: ClinVar variation 2657576 (VCV002657576.25), dbSNP rs12386581, ClinGen allele CA160128490.

ClinVar aggregate classification (germline): Likely benign. Review status: criteria provided, multiple submitters, no conflicts (2 of 4 stars). 2 submissions from 2 submitters: Likely benign (2). Last evaluated 2025-08-04.

Conditions:
Supravalvar aortic stenosis (SVAS). Also called: Supravalvar aortic stenosis, Eisenberg type. Identifiers: Orphanet 3193, MedGen C0003499, MONDO:0008504, OMIM 185500, HP:0004381.

Allele frequency attached by ClinVar (database versions not stated): gnomAD 0.00001; TOPMed 0.00001.
gnomAD v4.1: 8 of 1,614,082 alleles (0.0005%); highest among the groups gnomAD compares: Non-Finnish European, 0.00068%; no homozygotes.

Submissions (2):

Labcorp Genetics (formerly Invitae), Labcorp
Classification: Likely benign for Supravalvar aortic stenosis. Last evaluated: 2025-08-04. Review status: criteria provided, single submitter. Criteria: Invitae Variant Classification Sherloc (09022015). Collection method: clinical testing. Allele origin: germline.

CeGaT Center for Human Genetics Tuebingen
Classification: Likely benign. Last evaluated: 2022-10-01. Review status: criteria provided, single submitter. Criteria: CeGaT Center For Human Genetics Tuebingen Variant Classification Criteria Version 2. Collection method: clinical testing. Allele origin: germline. Affected: yes. Observed: 1 variant allele.
Comment: ELN: BP4, BP7